The following is an entry in ClinVar:

NM_001370259.2(MEN1):c.881dup (p.Arg295fs)

Gene: MEN1 (menin 1; minus strand). Cytogenetic location: 11q13.1.
Variant type: Duplication.
Coding change: c.881dup on transcript NM_001370259.2 (MANE Select); coding-DNA position 881, one base duplicated (G; older notation c.881dupG).
Protein change: p.Arg295fs; shifts the reading frame from arginine 295.
Molecular consequence: frameshift variant. On other transcripts: non-coding transcript variant (4).
Genome position (GRCh38, 1-based): chr11:64,807,042, C duplicated on the plus strand (G on the coding strand, the reverse complement: MEN1 is on the minus strand); the first of 2 consecutive C bases (chr11:64,807,042-64,807,043); duplicating either gives the same sequence. VCF-style (leftmost placement, unchanged base first): chr11-64807041-G-GC. GRCh37 (hg19) VCF-style: chr11-64574513-G-GC.
Other names: c.896dup, p.Arg300fs (NM_000244.4, NM_001407145.1, NM_001407150.1 and 5 more transcripts); c.881dup, p.Arg295fs (NM_001370251.2, NM_001370260.2, NM_001370261.2 and 7 more transcripts); c.776dup, p.Arg260fs (NM_001370262.2, NM_001370263.2, NM_001407148.1 and 2 more transcripts); short protein forms R260fs, R300fs, R295fs.
Identifiers: ClinVar variation 2750762 (VCV002750762.3), dbSNP rs2497187010, ClinGen allele CA2697548616.

ClinVar aggregate classification (germline): Pathogenic (1 of 4 stars; one submission).

Conditions:
Multiple endocrine neoplasia, type 1 (MEN1). Also called: MEN I; WERMER SYNDROME; Endocrine adenomatosis multiple; MEN 1; MEA I. Identifiers: Orphanet 652, MedGen C0025267, MeSH D018761, MONDO:0007540, OMIM 131100.

Submission:

Labcorp Genetics (formerly Invitae), Labcorp
Classification: Pathogenic for Multiple endocrine neoplasia, type 1. Last evaluated: 2023-08-07. Review status: criteria provided, single submitter. Criteria: Invitae Variant Classification Sherloc (09022015). Collection method: clinical testing. Allele origin: germline.
Comment: For these reasons, this variant has been classified as Pathogenic. This variant has not been reported in the literature in individuals affected with MEN1-related conditions. This variant is not present in population databases (gnomAD no frequency). This sequence change creates a premature translational stop signal (p.Arg295Profs*22) in the MEN1 gene. It is expected to result in an absent or disrupted protein product. Loss-of-function variants in MEN1 are known to be pathogenic (PMID: 12112656, 17853334).

Literature cited by the submitters: PubMed 12112656; PubMed 17853334.